The following is an entry in ClinVar:

ClinVar aggregate classification (germline): Uncertain significance (1 of 4 stars; one submission).

gnomAD v4.1: 4 of 1,599,560 alleles (0.00025%); highest among the groups gnomAD compares: African/African-American, 0.004%; no homozygotes.

Submission:

Labcorp Genetics (formerly Invitae), Labcorp
Classification: Uncertain significance. Last evaluated: 2024-07-23. Review status: criteria provided, single submitter. Criteria: Invitae Variant Classification Sherloc (09022015). Collection method: clinical testing. Allele origin: germline.
Comment: This sequence change falls in intron 10 of the TCIRG1 gene. It does not directly change the encoded amino acid sequence of the TCIRG1 protein. This variant is not present in population databases (gnomAD no frequency). This variant has not been reported in the literature in individuals affected with TCIRG1-related conditions. Algorithms developed to predict the effect of sequence changes on RNA splicing suggest that this variant may create or strengthen a splice site. In summary, the available evidence is currently insufficient to determine the role of this variant in disease. Therefore, it has been classified as a Variant of Uncertain Significance.

NM_006019.4(TCIRG1):c.1165+14C>T

Gene: TCIRG1 (T cell immune regulator 1, ATPase H+ transporting V0 subunit a3; plus strand). Cytogenetic location: 11q13.2.
Variant type: single nucleotide variant.
Coding change: c.1165+14C>T on transcript NM_006019.4 (MANE Select); 14 bases into the intron after coding-DNA position 1165, C replaced by T.
Molecular consequence: intron variant.
Genome position (GRCh38, 1-based): chr11:68,045,116, C>T. VCF-style: chr11-68045116-C-T. GRCh37 (hg19) VCF-style: chr11-67812583-C-T.
Other names: c.271+14C>T (NM_001351059.2); c.517+14C>T (NM_006053.4).
Identifiers: ClinVar variation 3623718 (VCV003623718.2).